The following is an entry in ClinVar:

ClinVar aggregate classification (germline): Uncertain significance (1 of 4 stars; one submission).

Conditions:
Aicardi-Goutieres syndrome 2. Identifiers: Orphanet 51, MedGen C3489724, MONDO:0012429, OMIM 610181.

Submission:

Labcorp Genetics (formerly Invitae), Labcorp
Classification: Uncertain significance for Aicardi-Goutieres syndrome 2. Last evaluated: 2022-09-26. Review status: criteria provided, single submitter. Criteria: Invitae Variant Classification Sherloc (09022015). Collection method: clinical testing. Allele origin: germline.
Comment: This variant, c.618_619delinsTA, is a complex sequence change that results in the deletion of 2 and insertion of 2 amino acid(s) in the RNASEH2B protein (p.Glu206_Asp207delinsAspAsn). Information on the frequency of this variant in the gnomAD database is not available, as this variant may be reported differently in the database. This variant has not been reported in the literature in individuals affected with RNASEH2B-related conditions. ClinVar contains an entry for this variant (Variation ID: 642989). Experimental studies and prediction algorithms are not available or were not evaluated, and the functional significance of this variant is currently unknown. In summary, the available evidence is currently insufficient to determine the role of this variant in disease. Therefore, it has been classified as a Variant of Uncertain Significance.

NM_024570.4(RNASEH2B):c.618_619delinsTA (p.Glu206_Asp207delinsAspAsn)

Gene: RNASEH2B (ribonuclease H2 subunit B; plus strand). Cytogenetic location: 13q14.3.
Variant type: Indel.
Coding change: c.618_619delinsTA on transcript NM_024570.4 (MANE Select); coding-DNA positions 618 to 619, GG replaced by TA.
Protein change: p.Glu206_Asp207delinsAspAsn.
Molecular consequence: missense variant.
Genome position (GRCh38, 1-based): chr13:50,947,988-50,947,989, GG replaced by TA. VCF-style: chr13-50947988-GG-TA. GRCh37 (hg19) VCF-style: chr13-51522124-GG-TA.
Other names: c.618_619delGGinsTA (NM_024570.3); c.618_619delinsTA, p.Glu206_Asp207delinsAspAsn (NM_001142279.2).
Identifiers: ClinVar variation 642989 (VCV000642989.8), dbSNP rs1593474848, ClinGen allele CA915948585.